The following is an entry in ClinVar:

ClinVar aggregate classification (germline): Likely pathogenic. Review status: reviewed by expert panel (3 of 4 stars). 3 submissions from 3 submitters: Likely pathogenic (1). 2 of the submissions do not count toward it. Last evaluated 2026-04-24.

Conditions:
Deficiency of guanidinoacetate methyltransferase (CCDS2). Also called: GAMT DEFICIENCY; CEREBRAL CREATINE DEFICIENCY SYNDROME 2; Guanidinoacetate Methyltransferase (GAMT) Deficiency. Identifiers: Orphanet 382, MedGen C0574080, MONDO:0012999, OMIM 612736.
Cerebral creatine deficiency syndrome. Also called: Creatine deficiency syndromes. Identifiers: Orphanet 79172, MedGen C5244016, MONDO:0000456.

Submissions (3):

ClinGen Cerebral Creatine Deficiency Syndromes Variant Curation Expert Panel, ClinGen
Classification: Likely pathogenic for Deficiency of guanidinoacetate methyltransferase. Last evaluated: 2026-04-24. Review status: reviewed by expert panel. Criteria: ClinGen CCDS ACMG Specifications GAMT V2.0.0. Collection method: curation. Allele origin: germline. Inheritance: Autosomal recessive inheritance.
Comment: The NM_000156.6:c.444_448del (p.Phe149LeufsTer40) variant in GAMT is a frameshift variant that is predicted to cause a premature stop codon in the last 50 nucleotides of the penultimate exon of the gene and therefore to escape nonsense mediated decay. About 20% of the protein is predicted to be removed (PVS1_Strong). The variant is absent in gnomAD v4.1.0. (PM2_Supporting). One patient with clinical symptoms consistent with GAMT deficiency has been reported with elevated guanidinoacetate and low creatine in dried blood spot, and improvement in seizure frequency after 3 years of creatine treatment (PMID: 35588794) (PP4). This individual is compound heterozygous for the variant and another variant in GAMT that has been classified as likely pathogenic for GAMT deficiency by the CCDS VCEP, c.520T>C (p.Trp174Arg) (ClinVar Variation ID: 1420866), confirmed in trans by parental DNA testing (PMID: 35588794),1 point. (PM3). There is a ClinVar entry for this variant (Variation ID: 2831012). In summary, this variant meets the criteria to be classified as likely pathogenic for guanidinoacetate methyltransferase deficiency. GAMT-specific ACMG/AMP criteria applied, as specified by the ClinGen Cerebral Creatine Deficiency Syndromes Variant Curation Expert Panel (Specification Version 2.0.0.): PVS1_Strong, PM3, PP4, PM2_Supporting (Classification approved by the ClinGen Cerebral Creatine Deficiency Syndromes Variant Curation Expert Panel on April 24, 2026)

Fulgent Genetics
Classification: Likely pathogenic for Deficiency of guanidinoacetate methyltransferase. Last evaluated: 2024-05-13. Review status: criteria provided, single submitter. Criteria: ACMG Guidelines, 2015. Collection method: clinical testing. Allele origin: germline. Not counted in ClinVar's aggregate classification.

Labcorp Genetics (formerly Invitae), Labcorp
Classification: Pathogenic for Cerebral creatine deficiency syndrome. Last evaluated: 2023-02-04. Review status: criteria provided, single submitter. Criteria: Invitae Variant Classification Sherloc (09022015). Collection method: clinical testing. Allele origin: germline. Not counted in ClinVar's aggregate classification.
Comment: For these reasons, this variant has been classified as Pathogenic. This variant disrupts a region of the GAMT protein in which other variant(s) (p.Trp174*) have been determined to be pathogenic (PMID: 17171576, 19027335, 23660394, 24268530). This suggests that this is a clinically significant region of the protein, and that variants that disrupt it are likely to be disease-causing. This premature translational stop signal has been observed in individual(s) with cerebral creatine deficiency syndrome (PMID: 35588794). This variant is not present in population databases (gnomAD no frequency). This sequence change creates a premature translational stop signal (p.Phe149Leufs*40) in the GAMT gene. While this is not anticipated to result in nonsense mediated decay, it is expected to disrupt the last 88 amino acid(s) of the GAMT protein.

Literature cited by the submitters: PubMed 17171576 (cited by Labcorp Genetics (formerly Invitae), Labcorp); PubMed 19027335 (cited by Labcorp Genetics (formerly Invitae), Labcorp); PubMed 23660394 (cited by Labcorp Genetics (formerly Invitae), Labcorp); PubMed 24268530 (cited by Labcorp Genetics (formerly Invitae), Labcorp); PubMed 35588794 (cited by Labcorp Genetics (formerly Invitae), Labcorp).

NM_000156.6(GAMT):c.444_448del (p.Phe149fs)

Gene: GAMT (guanidinoacetate N-methyltransferase; minus strand). Cytogenetic location: 19p13.3.
Variant type: Deletion.
Coding change: c.444_448del on transcript NM_000156.6 (MANE Select); coding-DNA positions 444 to 448, 5 bases deleted (GTTCA; older notation c.444_448delGTTCA).
Protein change: p.Phe149fs; shifts the reading frame from phenylalanine 149.
Molecular consequence: frameshift variant.
Genome position (GRCh38, 1-based): chr19:1,399,139-1,399,143, TGAAC deleted on the plus strand (GTTCA on the coding strand, the reverse complement: GAMT is on the minus strand); deleting any 5 consecutive bases within chr19:1,399,139-1,399,145 gives the same sequence; the c. name uses the placement nearest the transcript's 3' end. VCF-style (leftmost placement, unchanged base first): chr19-1399138-TTGAAC-T. GRCh37 (hg19) VCF-style: chr19-1399137-TTGAAC-T.
Other names: NM_000156.6(GAMT):c.444_448del; p.Phe149fs; c.444_448del, p.Phe149fs (NM_138924.3); short protein forms F149fs.
Identifiers: ClinVar variation 2831012 (VCV002831012.5), dbSNP rs2512224776, ClinGen allele CA2739276352.